The following is an entry in ClinVar:

ClinVar aggregate classification (germline): Uncertain significance (1 of 4 stars; one submission).

Conditions:
Marfan syndrome (MFS). Also called: MARFAN SYNDROME, TYPE I; Marfan syndrome type 1; Marfan's syndrome; Marfan syndrome, classic; FBN1-Related Marfan Syndrome. Identifiers: Orphanet 284963, Orphanet 558, MedGen C0024796, MONDO:0007947, OMIM 154700.

Allele frequency attached by ClinVar (database versions not stated): gnomAD 0.00001; ESP Exome Variant Server 0.00008; ExAC 0.00002; TOPMed 0.00002.
gnomAD v4.1: 2 of 1,614,044 alleles (0.00012%); highest among the groups gnomAD compares: African/African-American, 0.0027%; no homozygotes.

Submission:

All of Us Research Program, National Institutes of Health
Classification: Uncertain significance for Marfan syndrome. Last evaluated: 2023-10-02. Review status: criteria provided, single submitter. Criteria: ACMG Guidelines, 2015. Collection method: clinical testing. Allele origin: germline. Inheritance: Autosomal dominant inheritance. Observed: 1 variant allele, 1 heterozygote.
Comment: This missense variant replaces proline with serine at codon 2391 of the FBN1 protein. Computational prediction suggests that this variant may have deleterious impact on protein structure and function (internally defined REVEL score threshold >= 0.7, PMID: 27666373). To our knowledge, functional studies have not been reported for this variant. This variant has not been reported in individuals affected with FBN1-related disorders in the literature. This variant has been identified in 2/251058 chromosomes in the general population by the Genome Aggregation Database (gnomAD). The available evidence is insufficient to determine the role of this variant in disease conclusively. Therefore, this variant is classified as a Variant of Uncertain Significance.

This study involves interpretation of variants in research participants for the purpose of population health screening. Participant phenotype was not available at the time of variant classification. Additional details can be found in publication PMID: 35346344, PMCID: PMC8962531

NM_000138.5(FBN1):c.7171C>T (p.Pro2391Ser)

Gene: FBN1 (fibrillin 1; minus strand). Cytogenetic location: 15q21.1.
Variant type: single nucleotide variant.
Coding change: c.7171C>T on transcript NM_000138.5 (MANE Select); coding-DNA position 7171, C replaced by T.
Protein change: p.Pro2391Ser; replaces proline 2391 with serine.
Molecular consequence: missense variant.
Genome position (GRCh38, 1-based): chr15:48,427,600, G>A on the plus strand (C>T on the coding strand, the complement: FBN1 is on the minus strand). VCF-style: chr15-48427600-G-A. GRCh37 (hg19) VCF-style: chr15-48719797-G-A.
Other names: c.7171C>T, p.Pro2391Ser (NM_001406716.1); short protein forms P2391S.
Identifiers: ClinVar variation 3073567 (VCV003073567.1), dbSNP rs371959082, ClinGen allele CA057971.